The following is an entry in ClinVar:

NM_015202.5(KATNIP):c.3106G>A (p.Asp1036Asn)

Gene: KATNIP (katanin interacting protein; plus strand). Cytogenetic location: 16p12.1.
Variant type: single nucleotide variant.
Coding change: c.3106G>A on transcript NM_015202.5 (MANE Select); coding-DNA position 3106, G replaced by A.
Protein change: p.Asp1036Asn; replaces aspartic acid 1036 with asparagine.
Molecular consequence: missense variant.
Genome position (GRCh38, 1-based): chr16:27,750,066, G>A. VCF-style: chr16-27750066-G-A. GRCh37 (hg19) VCF-style: chr16-27761387-G-A.
Other names: c.3106G>A (NM_015202.2); short protein forms D1036N.
Identifiers: ClinVar variation 2070807 (VCV002070807.6), dbSNP rs750193636, ClinGen allele CA7978147.

ClinVar aggregate classification (germline): Uncertain significance. Review status: criteria provided, multiple submitters, no conflicts (2 of 4 stars). 2 submissions from 2 submitters: Uncertain significance (2). Last evaluated 2025-03-26.

Allele frequency attached by ClinVar (database versions not stated): gnomAD 0.00002; TOPMed 0.00008; gnomAD exomes 0.00009; ExAC 0.00003.
gnomAD v4.1: 139 of 1,614,144 alleles (0.0086%); highest among the groups gnomAD compares: Non-Finnish European, 0.011%; no homozygotes.

Submissions (2):

Ambry Genetics
Classification: Uncertain significance. Last evaluated: 2025-03-26. Review status: criteria provided, single submitter. Criteria: Ambry Variant Classification Scheme 2023. Collection method: clinical testing. Allele origin: germline.

Labcorp Genetics (formerly Invitae), Labcorp
Classification: Uncertain significance. Last evaluated: 2024-01-24. Review status: criteria provided, single submitter. Criteria: Invitae Variant Classification Sherloc (09022015). Collection method: clinical testing. Allele origin: germline.
Comment: This sequence change replaces aspartic acid, which is acidic and polar, with asparagine, which is neutral and polar, at codon 1036 of the KIAA0556 protein (p.Asp1036Asn). This variant is present in population databases (rs750193636, gnomAD 0.008%). This variant has not been reported in the literature in individuals affected with KIAA0556-related conditions. ClinVar contains an entry for this variant (Variation ID: 2070807). An algorithm developed to predict the effect of missense changes on protein structure and function (PolyPhen-2) suggests that this variant is likely to be disruptive. In summary, the available evidence is currently insufficient to determine the role of this variant in disease. Therefore, it has been classified as a Variant of Uncertain Significance.